The following is an entry in ClinVar:

ClinVar aggregate classification (germline): Uncertain significance (1 of 4 stars; one submission).

Conditions:
Mitochondrial DNA depletion syndrome, encephalomyopathic form with methylmalonic aciduria (MTDPS5). Also called: SUCLA2-Related Mitochondrial DNA Depletion Syndrome, Encephalomyopathic Form with Methylmalonic Aciduria; MITOCHONDRIAL DNA DEPLETION SYNDROME, ENCEPHALOMYOPATHIC FORM, WITH OR WITHOUT METHYLMALONIC ACIDURIA, AUTOSOMAL RECESSIVE, SUCLA2-RELATED; Mitochondrial DNA depletion syndrome 5 (encephalomyopathic with or without methylmalonic aciduria); Mitochondrial encephalomyopathy aminoacidopathy. Identifiers: Orphanet 1933, MedGen C5980207, MONDO:0012791, OMIM 612073.

Submission:

Labcorp Genetics (formerly Invitae), Labcorp
Classification: Uncertain significance for Mitochondrial DNA depletion syndrome, encephalomyopathic form with methylmalonic aciduria. Last evaluated: 2022-10-04. Review status: criteria provided, single submitter. Criteria: Invitae Variant Classification Sherloc (09022015). Collection method: clinical testing. Allele origin: germline.
Comment: This sequence change replaces arginine, which is basic and polar, with lysine, which is basic and polar, at codon 165 of the SUCLA2 protein (p.Arg165Lys). This variant is not present in population databases (gnomAD no frequency). This variant has not been reported in the literature in individuals affected with SUCLA2-related conditions. Advanced modeling of protein sequence and biophysical properties (such as structural, functional, and spatial information, amino acid conservation, physicochemical variation, residue mobility, and thermodynamic stability) performed at Invitae indicates that this missense variant is not expected to disrupt SUCLA2 protein function. In summary, the available evidence is currently insufficient to determine the role of this variant in disease. Therefore, it has been classified as a Variant of Uncertain Significance.

NM_003850.3(SUCLA2):c.494G>A (p.Arg165Lys)

Gene: SUCLA2 (succinate-CoA ligase ADP-forming subunit beta; minus strand). Cytogenetic location: 13q14.2.
Variant type: single nucleotide variant.
Coding change: c.494G>A on transcript NM_003850.3 (MANE Select); coding-DNA position 494, G replaced by A.
Protein change: p.Arg165Lys; replaces arginine 165 with lysine.
Molecular consequence: missense variant.
Genome position (GRCh38, 1-based): chr13:47,988,581, C>T on the plus strand (G>A on the coding strand, the complement: SUCLA2 is on the minus strand). VCF-style: chr13-47988581-C-T. GRCh37 (hg19) VCF-style: chr13-48562716-C-T.
Other names: short protein forms R165K.
Identifiers: ClinVar variation 2090470 (VCV002090470.4), dbSNP rs2541707404, ClinGen allele CA388150389.